The following is an entry in ClinVar:

ClinVar aggregate classification (germline): Likely pathogenic (1 of 4 stars; one submission).

Conditions:
Nephronophthisis. Also called: Juvenile Nephronophthisis. Identifiers: Orphanet 655, MedGen C0687120, MONDO:0019005, HP:0000090.

Allele frequency attached by ClinVar (database versions not stated): ExAC 0.00001; gnomAD 0.00001; gnomAD exomes 0.00001; TOPMed 0.00001.
gnomAD v4.1: 12 of 1,613,434 alleles (0.00074%); highest among the groups gnomAD compares: Non-Finnish European, 0.001%; no homozygotes.

Submission:

Labcorp Genetics (formerly Invitae), Labcorp
Classification: Likely pathogenic for Nephronophthisis. Last evaluated: 2024-01-22. Review status: criteria provided, single submitter. Criteria: Invitae Variant Classification Sherloc (09022015). Collection method: clinical testing. Allele origin: germline.
Comment: This sequence change replaces leucine, which is neutral and non-polar, with proline, which is neutral and non-polar, at codon 1271 of the NPHP4 protein (p.Leu1271Pro). This variant is present in population databases (rs778642094, gnomAD 0.0009%). This missense change has been observed in individual(s) with clinical features of nephronophthisis (Invitae). In at least one individual the data is consistent with being in trans (on the opposite chromosome) from a pathogenic variant. It has also been observed to segregate with disease in related individuals. Advanced modeling of protein sequence and biophysical properties (such as structural, functional, and spatial information, amino acid conservation, physicochemical variation, residue mobility, and thermodynamic stability) performed at Invitae indicates that this missense variant is expected to disrupt NPHP4 protein function with a positive predictive value of 80%. In summary, the currently available evidence indicates that the variant is pathogenic, but additional data are needed to prove that conclusively. Therefore, this variant has been classified as Likely Pathogenic.

NM_015102.5(NPHP4):c.3812T>C (p.Leu1271Pro)

Gene: NPHP4 (nephrocystin 4; minus strand). Cytogenetic location: 1p36.31.
Variant type: single nucleotide variant.
Coding change: c.3812T>C on transcript NM_015102.5 (MANE Select); coding-DNA position 3812, T replaced by C.
Protein change: p.Leu1271Pro; replaces leucine 1271 with proline.
Molecular consequence: missense variant. On other transcripts: non-coding transcript variant (1).
Genome position (GRCh38, 1-based): chr1:5,865,106, A>G on the plus strand (T>C on the coding strand, the complement: NPHP4 is on the minus strand). VCF-style: chr1-5865106-A-G. GRCh37 (hg19) VCF-style: chr1-5925166-A-G.
Other names: c.2273T>C, p.Leu758Pro (NM_001291593.2); c.2276T>C, p.Leu759Pro (NM_001291594.2); short protein forms L1271P, L758P, L759P.
Identifiers: ClinVar variation 3000453 (VCV003000453.3), dbSNP rs778642094, ClinGen allele CA553469.
Genomic context (GRCh38, chr1:5,865,106, plus strand): 5'-CCGTCTCCAGGCTGGGGTTGGGGAGAGGCTCAGAACAGCCCCCAGAGAGGCCGTACCTTC[A>G]GCTCCTGGGGATGAGAGGTGAAAGCTCTCACTTTCCTCACTGTCTGTGTCCCCCGAAGGA-3'
Protein context (NP_055917.1, residues 1261-1281): VRAFTSHPQE[Leu1271Pro]KTDPKGVFVL